The following is an entry in ClinVar:

NM_201384.3(PLEC):c.5609C>T (p.Ala1870Val)

Gene: PLEC (plectin; minus strand). Cytogenetic location: 8q24.3.
Variant type: single nucleotide variant.
Coding change: c.5609C>T on transcript NM_201384.3 (MANE Select); coding-DNA position 5609, C replaced by T.
Protein change: p.Ala1870Val; replaces alanine 1870 with valine.
Molecular consequence: missense variant.
Genome position (GRCh38, 1-based): chr8:143,924,320, G>A on the plus strand (C>T on the coding strand, the complement: PLEC is on the minus strand). VCF-style: chr8-143924320-G-A. GRCh37 (hg19) VCF-style: chr8-144998488-G-A.
Other names: c.5690C>T, p.Ala1897Val (NM_000445.5); c.5567C>T, p.Ala1856Val (NM_201378.4); c.5543C>T, p.Ala1848Val (NM_201379.3); c.6020C>T, p.Ala2007Val (NM_201380.4); c.5513C>T, p.Ala1838Val (NM_201381.3); c.5609C>T, p.Ala1870Val (NM_201382.4); c.5621C>T, p.Ala1874Val (NM_201383.3); short protein forms A1838V, A1848V, A1856V, A1870V, A1874V, A1897V, A2007V.
Identifiers: ClinVar variation 1024765 (VCV001024765.5), dbSNP rs782373965, ClinGen allele CA4926303.

ClinVar aggregate classification (germline): Uncertain significance (1 of 4 stars; one submission).

Conditions:
Epidermolysis bullosa simplex with nail dystrophy (EBS5D). Identifiers: MedGen C4225309, MONDO:0014661, OMIM 616487.
Epidermolysis bullosa simplex 5B, with muscular dystrophy (EBS5B). Also called: EPIDERMOLYSIS BULLOSA SIMPLEX AND LIMB-GIRDLE MUSCULAR DYSTROPHY; Epidermolysis bullosa simplex with muscular dystrophy. Identifiers: Orphanet 257, MedGen C2931072, MONDO:0009181, OMIM 226670.
Epidermolysis bullosa simplex, Ogna type (EBS5A). Also called: Pidermolysis bullosa simplex 5A, Ogna type; EPIDERMOLYSIS BULLOSA SIMPLEX 5A, OGNA TYPE. Identifiers: Orphanet 79401, MedGen C0432317, MONDO:0007555, OMIM 131950.
Epidermolysis bullosa simplex 5C, with pyloric atresia (EBS5C). Also called: PLEC-Related Epidermolysis Bullosa with Pyloric Atresia; Epidermolysis bullosa simplex with pyloric atresia; PLEC1-Related Epidermolysis Bullosa with Pyloric Atresia. Identifiers: Orphanet 158684, MedGen C2677349, MONDO:0012807, OMIM 612138.
Autosomal recessive limb-girdle muscular dystrophy type 2Q (LGMDR17). Also called: MUSCULAR DYSTROPHY, LIMB-GIRDLE, AUTOSOMAL RECESSIVE 17. Identifiers: Orphanet 254361, MedGen C3150989, MONDO:0013390, OMIM 613723.

Allele frequency attached by ClinVar (database versions not stated): gnomAD exomes below 0.00001; gnomAD 0.00001; ExAC 0.00002; TOPMed 0.00003.
gnomAD v4.1: 7 of 1,594,286 alleles (0.00044%); highest among the groups gnomAD compares: South Asian, 0.0022%; no homozygotes.

Submission:

Labcorp Genetics (formerly Invitae), Labcorp
Classification: Uncertain significance for Autosomal recessive limb-girdle muscular dystrophy type 2Q; Epidermolysis bullosa simplex, Ogna type; Epidermolysis bullosa simplex with nail dystrophy; Epidermolysis bullosa simplex 5C, with pyloric atresia; Epidermolysis bullosa simplex 5B, with muscular dystrophy. Last evaluated: 2024-02-17. Review status: criteria provided, single submitter. Criteria: Invitae Variant Classification Sherloc (09022015). Collection method: clinical testing. Allele origin: germline.
Comment: This sequence change replaces alanine, which is neutral and non-polar, with valine, which is neutral and non-polar, at codon 1897 of the PLEC protein (p.Ala1897Val). This variant is present in population databases (rs782373965, gnomAD 0.003%). This variant has not been reported in the literature in individuals affected with PLEC-related conditions. ClinVar contains an entry for this variant (Variation ID: 1024765). Experimental studies and prediction algorithms are not available or were not evaluated, and the functional significance of this variant is currently unknown. In summary, the available evidence is currently insufficient to determine the role of this variant in disease. Therefore, it has been classified as a Variant of Uncertain Significance.